The following is an entry in ClinVar:

NM_001042492.3(NF1):c.3947_3948del (p.His1316fs)

Gene: NF1 (neurofibromin 1; plus strand). Cytogenetic location: 17q11.2.
Variant type: Deletion.
Coding change: c.3947_3948del on transcript NM_001042492.3 (MANE Select); coding-DNA positions 3947 to 3948, 2 bases deleted (AT; older notation c.3947_3948delAT).
Protein change: p.His1316fs; shifts the reading frame from histidine 1316.
Molecular consequence: frameshift variant.
Genome position (GRCh38, 1-based): chr17:31,235,994-31,235,995, AT deleted. VCF-style (leftmost placement, unchanged base first): chr17-31235993-CAT-C. GRCh37 (hg19) VCF-style: chr17-29563011-CAT-C.
Other names: c.3947_3948delAT, p.His1316Argfs (NM_000267.4); short protein forms H1316fs.
Identifiers: ClinVar variation 2137983 (VCV002137983.5), dbSNP rs2508265040, ClinGen allele CA2580093126.

ClinVar aggregate classification (germline): Pathogenic. Review status: criteria provided, multiple submitters, no conflicts (2 of 4 stars). 2 submissions from 2 submitters: Pathogenic (2). Last evaluated 2025-02-16.

Conditions:
Neurofibromatosis, type 1 (NF1). Also called: Peripheral type neurofibromatosis; VON RECKLINGHAUSEN DISEASE; NEUROFIBROMATOSIS, TYPE I, SOMATIC; Neurofibromatosis, type I. Identifiers: Orphanet 636, MedGen C0027831, MONDO:0018975, OMIM 162200. Disease mechanism: loss of function.

Submissions (2):

Laboratory of Genetics, Children's Clinical University Hospital Latvia
Classification: Pathogenic. Last evaluated: 2025-02-16. Review status: criteria provided, single submitter. Criteria: ACMG Guidelines, 2015. Collection method: clinical testing. Allele origin: germline. Affected: yes.

Labcorp Genetics (formerly Invitae), Labcorp
Classification: Pathogenic for Neurofibromatosis, type 1. Last evaluated: 2022-08-31. Review status: criteria provided, single submitter. Criteria: Invitae Variant Classification Sherloc (09022015). Collection method: clinical testing. Allele origin: germline.
Comment: For these reasons, this variant has been classified as Pathogenic. This premature translational stop signal has been observed in individual(s) with neurofibromatosis type 1 (PMID: 26056819). This variant is not present in population databases (gnomAD no frequency). This sequence change creates a premature translational stop signal (p.His1316Argfs*2) in the NF1 gene. It is expected to result in an absent or disrupted protein product. Loss-of-function variants in NF1 are known to be pathogenic (PMID: 10712197, 23913538).

Literature cited by the submitters: PubMed 26056819 (cited by Labcorp Genetics (formerly Invitae), Labcorp); PubMed 10712197 (cited by Labcorp Genetics (formerly Invitae), Labcorp); PubMed 23913538 (cited by Labcorp Genetics (formerly Invitae), Labcorp).